The following is an entry in ClinVar:

NM_001829.4(CLCN3):c.2219C>T (p.Ser740Phe)

Gene: CLCN3 (chloride voltage-gated channel 3; plus strand). Cytogenetic location: 4q33.
Variant type: single nucleotide variant.
Coding change: c.2219C>T on transcript NM_001829.4 (MANE Select); coding-DNA position 2219, C replaced by T.
Protein change: p.Ser740Phe; replaces serine 740 with phenylalanine.
Molecular consequence: missense variant.
Genome position (GRCh38, 1-based): chr4:169,713,148, C>T. VCF-style: chr4-169713148-C-T. GRCh37 (hg19) VCF-style: chr4-170634299-C-T.
Other names: c.2138C>T, p.Ser713Phe (NM_001243372.2, NM_001243374.2); c.2219C>T, p.Ser740Phe (NM_173872.4); short protein forms S713F, S740F.
Identifiers: ClinVar variation 2692511 (VCV002692511.1), dbSNP rs1733289362, ClinGen allele CA358742309.
Genomic context (GRCh38, chr4:169,713,148, plus strand): 5'-GGAAAAAACAAGAAGGTATCGTTGGCAGTTCTCGGGTGTGTTTTGCACAGCACACCCCAT[C>T]TCTTCCAGCAGAAAGTCCTCGGCCATTGAAGCTTCGAAGCATTCTTGACATGAGCCCTTT-3'
Protein context (NP_001820.2, residues 730-750): SRVCFAQHTP[Ser740Phe]LPAESPRPLK

ClinVar aggregate classification (germline): Uncertain significance (1 of 4 stars; one submission).

Submission:

Greenwood Genetic Center Diagnostic Laboratories, Greenwood Genetic Center
Classification: Uncertain significance. Last evaluated: 2023-12-19. Review status: criteria provided, single submitter. Criteria: ACMG Guidelines, 2015. Collection method: clinical testing. Allele origin: germline. Affected: yes.
Comment: PM2